The following is an entry in ClinVar:

NM_001128840.3(CACNA1D):c.3137A>G (p.Asp1046Gly)

Gene: CACNA1D (calcium voltage-gated channel subunit alpha1 D; plus strand). Cytogenetic location: 3p21.1.
Variant type: single nucleotide variant.
Coding change: c.3137A>G on transcript NM_001128840.3 (MANE Select); coding-DNA position 3137, A replaced by G.
Protein change: p.Asp1046Gly; replaces aspartic acid 1046 with glycine.
Molecular consequence: missense variant.
Genome position (GRCh38, 1-based): chr3:53,745,845, A>G. VCF-style: chr3-53745845-A-G. GRCh37 (hg19) VCF-style: chr3-53779872-A-G.
Other names: c.3197A>G, p.Asp1066Gly (NM_000720.4); c.3137A>G, p.Asp1046Gly (NM_001128839.3); short protein forms D1046G, D1066G.
Identifiers: ClinVar variation 1309148 (VCV001309148.2), dbSNP rs2108843455, ClinGen allele CA353246706.

ClinVar aggregate classification (germline): Uncertain significance (1 of 4 stars; one submission).

Submission:

GeneDx
Classification: Uncertain significance. Last evaluated: 2019-10-20. Review status: criteria provided, single submitter. Criteria: GeneDx Variant Classification Process June 2021. Collection method: clinical testing. Allele origin: germline. Affected: yes.
Comment: Not observed in large population cohorts (Lek et al., 2016); In silico analysis, which includes protein predictors and evolutionary conservation, supports a deleterious effect; Has not been previously published as pathogenic or benign to our knowledge